The following is an entry in ClinVar:

ClinVar aggregate classification (germline): Uncertain significance (1 of 4 stars; one submission).

Conditions:
Familial cancer of breast. Also called: hereditary breast carcinoma; Hereditary breast cancer; BREAST CANCER, FAMILIAL. Identifiers: Orphanet 227535, MedGen C0346153, MONDO:0016419, OMIM 114480. Disease mechanism: loss of function.

Submission:

KCCC/NGS Laboratory, Kuwait Cancer Control Center
Classification: Uncertain significance for Familial cancer of breast. Last evaluated: 2023-07-27. Review status: criteria provided, single submitter. Criteria: ACMG Guidelines, 2015. Collection method: clinical testing. Allele origin: germline. Inheritance: Autosomal dominant inheritance. Affected: yes. Observed: 1 heterozygote.
Comment: a variant of uncertain significance was detected in the ATM gene (c.5178-3C>T). The c.5178-3C>T intronic variant results from a C to T substitution 3 nucleotides upstream from coding exon 34 in the ATM gene. This site is not well conserved (PhyloP100=3.8) .This variant is not present in gnomAD genomes nor in our local database. This variant has not been reported in the literature. However, a variant that affects the same splice site (c.5178-3C>G) has been reported in the (ClinVar:230425) in an individual affected with Hereditary cancer-predisposing syndrome and classified as uncertain significance variant .Insilico predictions show benign computational verdict based on (dbscSNV, MaxEntScan and DANN). In summary, the available evidence is currently insufficient to determine the role of this variant in disease. Therefore, it has been classified as a Variant of Uncertain Significance.

NM_000051.4(ATM):c.5178-3C>T

Gene: ATM (ATM serine/threonine kinase; plus strand). Cytogenetic location: 11q22.3.
Variant type: single nucleotide variant.
Coding change: c.5178-3C>T on transcript NM_000051.4 (MANE Select); 3 bases into the intron before coding-DNA position 5178, C replaced by T.
Molecular consequence: intron variant.
Genome position (GRCh38, 1-based): chr11:108,301,645, C>T. VCF-style: chr11-108301645-C-T. GRCh37 (hg19) VCF-style: chr11-108172372-C-T.
Other names: c.5178-3C>T (NM_001351834.2).
Identifiers: ClinVar variation 2573992 (VCV002573992.2), dbSNP rs876658558, ClinGen allele CA2580615023.